The following is an entry in ClinVar:

ClinVar aggregate classification (germline): Pathogenic. Review status: criteria provided, multiple submitters, no conflicts (2 of 4 stars). 2 submissions from 2 submitters: Pathogenic (2). Last evaluated 2026-09-11.

Conditions:
Hematuria. Identifiers: MedGen C0018965, HP:0000790.

Submissions (2):

Genetics Laboratory, Great Ormond Street Hospital NHS Foundation Trust, North Thames Genomic Laboratory Hub
Classification: Pathogenic for Haematuria. Last evaluated: 2026-09-11. Review status: criteria provided, single submitter. Criteria: ACGS Best Practice Guidelines for Variant Classification in Rare Disease 2024 v1.2. Collection method: clinical testing. Allele origin: germline. Affected: yes.
Comment: PM2_moderate, PVS1_very-strong, PP4_supporting

Labcorp Genetics (formerly Invitae), Labcorp
Classification: Pathogenic. Last evaluated: 2022-02-27. Review status: criteria provided, single submitter. Criteria: Invitae Variant Classification Sherloc (09022015). Collection method: clinical testing. Allele origin: germline.
Comment: For these reasons, this variant has been classified as Pathogenic. Algorithms developed to predict the effect of sequence changes on RNA splicing suggest that this variant may disrupt the consensus splice site. Disruption of this splice site has been observed in individuals with Alport syndrome (PMID: 9848783, 10094548). This variant is not present in population databases (gnomAD no frequency). This sequence change affects a donor splice site in intron 23 of the COL4A5 gene. It is expected to disrupt RNA splicing. Variants that disrupt the donor or acceptor splice site typically lead to a loss of protein function (PMID: 16199547), and loss-of-function variants in COL4A5 are known to be pathogenic (PMID: 9195222, 10752524, 14514738, 24854265, 26809805).

Literature cited by the submitters: PubMed 9848783 (cited by Labcorp Genetics (formerly Invitae), Labcorp); PubMed 10094548 (cited by Labcorp Genetics (formerly Invitae), Labcorp); PubMed 16199547 (cited by Labcorp Genetics (formerly Invitae), Labcorp); PubMed 9195222 (cited by Labcorp Genetics (formerly Invitae), Labcorp); PubMed 10752524 (cited by Labcorp Genetics (formerly Invitae), Labcorp); PubMed 14514738 (cited by Labcorp Genetics (formerly Invitae), Labcorp); PubMed 24854265 (cited by Labcorp Genetics (formerly Invitae), Labcorp); PubMed 26809805 (cited by Labcorp Genetics (formerly Invitae), Labcorp).

NM_033380.3(COL4A5):c.1587+1G>C

Gene: COL4A5 (collagen type IV alpha 5 chain; plus strand). Cytogenetic location: Xq22.3.
Variant type: single nucleotide variant.
Coding change: c.1587+1G>C on transcript NM_033380.3 (MANE Select); the canonical splice donor site of the intron after coding-DNA position 1587, G replaced by C.
Molecular consequence: splice donor variant.
Genome position (GRCh38, 1-based): chrX:108,597,069, G>C. VCF-style: chrX-108597069-G-C. GRCh37 (hg19) VCF-style: chrX-107840299-G-C.
Other names: c.1587+1G>C (NM_000495.5).
Identifiers: ClinVar variation 2098477 (VCV002098477.5), dbSNP rs104886313, ClinGen allele CA413845187.